The following is an entry in ClinVar:

NM_001134363.3(RBM20):c.488G>A (p.Arg163Gln)

Gene: RBM20 (RNA binding motif protein 20; plus strand). Cytogenetic location: 10q25.2.
Variant type: single nucleotide variant.
Coding change: c.488G>A on transcript NM_001134363.3 (MANE Select); coding-DNA position 488, G replaced by A.
Protein change: p.Arg163Gln; replaces arginine 163 with glutamine.
Molecular consequence: missense variant.
Genome position (GRCh38, 1-based): chr10:110,781,097, G>A. VCF-style: chr10-110781097-G-A. GRCh37 (hg19) VCF-style: chr10-112540855-G-A.
Other names: p.R163Q:CGG>CAG; c.488G>A (LRG_382t1); short protein forms R163Q.
Identifiers: ClinVar variation 202041 (VCV000202041.7), dbSNP rs794729139, ClinGen allele CA335506.

ClinVar aggregate classification (germline): Conflicting classifications of pathogenicity. Review status: criteria provided, conflicting classifications (1 of 4 stars). 3 submissions from 3 submitters: Uncertain significance (1); Benign (1); Likely benign (1). Last evaluated 2025-05-30.

Conditions:
Cardiovascular phenotype. Identifiers: MedGen CN230736.
Dilated cardiomyopathy 1DD (CMD1DD). Identifiers: Orphanet 154, MedGen C2750995, MONDO:0013168, OMIM 613172.

Allele frequency attached by ClinVar (database versions not stated): gnomAD exomes 0.00001 and 0.00003; gnomAD 0.00002 and 0.00003; TOPMed 0.00003.

Submissions (3):

Ambry Genetics
Classification: Uncertain significance for Cardiovascular phenotype. Last evaluated: 2025-05-30. Review status: criteria provided, single submitter. Criteria: Ambry Variant Classification Scheme 2023. Collection method: clinical testing. Allele origin: germline.
Comment: The p.R163Q variant (also known as c.488G>A), located in coding exon 2 of the RBM20 gene, results from a G to A substitution at nucleotide position 488. The arginine at codon 163 is replaced by glutamine, an amino acid with highly similar properties. This variant was detected in a cardiomyopathy/arrhythmia genetic testing cohort; however, clinical details were limited, and additional cardiac variants were detected in some cases (van Lint FHM et al. Neth Heart J, 2019 Jun;27:304-309). This amino acid position is not well conserved in available vertebrate species. In addition, this alteration is predicted to be tolerated by in silico analysis. Based on the available evidence, the clinical significance of this variant remains unclear.

Labcorp Genetics (formerly Invitae), Labcorp
Classification: Benign for Dilated cardiomyopathy 1DD. Last evaluated: 2024-10-16. Review status: criteria provided, single submitter. Criteria: Invitae Variant Classification Sherloc (09022015). Collection method: clinical testing. Allele origin: germline.

GeneDx
Classification: Likely benign. Last evaluated: 2013-01-03. Review status: criteria provided, single submitter. Criteria: GeneDx Variant Classification (06012015). Collection method: clinical testing. Allele origin: germline. Affected: yes.
Comment: This variant is considered likely benign or benign based on one or more of the following criteria: it is a conservative change, it occurs at a poorly conserved position in the protein, it is predicted to be benign by multiple in silico algorithms, and/or has population frequency not consistent with disease.

Literature cited by the submitters: PubMed 30847666 (cited by Ambry Genetics).